The following is an entry in ClinVar:

ClinVar aggregate classification (germline): Likely pathogenic (1 of 4 stars; one submission).

Conditions:
Currarino triad. Identifiers: Orphanet 1552, MedGen C1531773, MONDO:0008305, OMIM 176450.

Submission:

Molecular Genetics Department, Kulakov National Medical Research Center for Obstetrics, Gynecology and Perinatology
Classification: Likely pathogenic for Currarino triad. Review status: criteria provided, single submitter. Criteria: ACMG Guidelines, 2015. Collection method: clinical testing. Allele origin: germline. Affected: yes. Observed: 1 variant allele.
Comment: A previously undescribed heterozygous nucleotide variant creates a premature translation stop signal p.Tyr186Ter in the MNX1 gene. Heterozygous variants are reported in patients with currarino syndrome, 176450. The variant is not present in population database (gnomAD no frequency). In summary, the currently available evidence indicates that the variant is pathogenic, but additional data are needed to prove that conclusively. Therefore, this variant has been classified as likely pathogenic.

NM_005515.4(MNX1):c.558C>G (p.Tyr186Ter)

Gene: MNX1 (motor neuron and pancreas homeobox 1; minus strand). Cytogenetic location: 7q36.3.
Variant type: single nucleotide variant.
Coding change: c.558C>G on transcript NM_005515.4 (MANE Select); coding-DNA position 558, C replaced by G.
Protein change: p.Tyr186Ter; replaces tyrosine 186 with a stop codon.
Molecular consequence: nonsense.
Genome position (GRCh38, 1-based): chr7:157,009,793, G>C on the plus strand (C>G on the coding strand, the complement: MNX1 is on the minus strand). VCF-style: chr7-157009793-G-C. GRCh37 (hg19) VCF-style: chr7-156802487-G-C.
Other names: short protein forms Y186*.
Identifiers: ClinVar variation 4294539 (VCV004294539.1).